The following is an entry in ClinVar:

NM_003900.5(SQSTM1):c.924G>A (p.Ala308=)

Gene: SQSTM1 (sequestosome 1; plus strand). Cytogenetic location: 5q35.3.
Variant type: single nucleotide variant.
Coding change: c.924G>A on transcript NM_003900.5 (MANE Select); coding-DNA position 924, G replaced by A.
Protein change: p.Ala308=; no amino-acid change (alanine 308 retained).
Molecular consequence: synonymous variant.
Genome position (GRCh38, 1-based): chr5:179,833,201, G>A. VCF-style: chr5-179833201-G-A. GRCh37 (hg19) VCF-style: chr5-179260201-G-A.
Other names: p.Ala308=; c.672G>A, p.Ala224= (NM_001142298.2, NM_001142299.2).
Identifiers: ClinVar variation 259190 (VCV000259190.49), dbSNP rs139482113, ClinGen allele CA3600727.

ClinVar aggregate classification (germline): Conflicting classifications of pathogenicity. Review status: criteria provided, conflicting classifications (1 of 4 stars). 12 submissions from 12 submitters: Uncertain significance (1); Benign (2); Likely benign (7). 2 of the submissions do not count toward it. Last evaluated 2026-08-01.

Conditions:
Frontotemporal dementia and/or amyotrophic lateral sclerosis 1 (FTDALS1). Also called: C9orf72 Frontotemporal Dementia and/or Amyotrophic Lateral Sclerosis; Frontotemporal dementia with motor neuron disease 1. Identifiers: Orphanet 275872, MedGen C5779877, MONDO:0007105, OMIM 105550.
Paget disease of bone 2, early-onset (PDB2). Also called: Paget disease of bone 2. Identifiers: MedGen C4085251, MONDO:0011183, OMIM 602080.
Paget disease of bone 3. Identifiers: MedGen C4085252, MONDO:0008176, OMIM 167250.

Allele frequency attached by ClinVar (database versions not stated): 1000 Genomes Project 0.00020; 1000 Genomes Project 30x 0.00031; ESP Exome Variant Server 0.00038; gnomAD exomes 0.00042; ExAC 0.00047; gnomAD 0.00063; TOPMed 0.00093.
gnomAD v4.1: 886 of 1,612,096 alleles (0.055%); highest among the groups gnomAD compares: Middle Eastern, 0.18%; 1 homozygote.

Submissions (12):

CeGaT Center for Human Genetics Tuebingen
Classification: Likely benign. Last evaluated: 2026-08-01. Review status: criteria provided, single submitter. Criteria: CeGaT Center For Human Genetics Tuebingen Variant Classification Criteria Version 2. Collection method: clinical testing. Allele origin: germline. Affected: yes. Observed: 8 variant alleles.
Comment: SQSTM1: BP4, BP7

Labcorp Genetics (formerly Invitae), Labcorp
Classification: Likely benign for Paget disease of bone 2, early-onset; Frontotemporal dementia and/or amyotrophic lateral sclerosis 1. Last evaluated: 2026-02-03. Review status: criteria provided, single submitter. Criteria: Invitae Variant Classification Sherloc (09022015). Collection method: clinical testing. Allele origin: germline.

Mayo Clinic Laboratories, Mayo Clinic
Classification: Likely benign. Last evaluated: 2025-09-24. Review status: criteria provided, single submitter. Criteria: ACMG Guidelines, 2015. Collection method: clinical testing. Allele origin: germline. Observed: 4 variant alleles.
Comment: BP4, BP7

Laboratory of Genetics, Children's Clinical University Hospital Latvia
Classification: Benign. Last evaluated: 2025-02-16. Review status: criteria provided, single submitter. Criteria: ACMG Guidelines, 2015. Collection method: clinical testing. Allele origin: germline. Affected: yes.

Blueprint Genetics
Classification: Likely benign. Last evaluated: 2024-10-14. Review status: criteria provided, single submitter. Criteria: ACMG Guidelines, 2015. Collection method: clinical testing. Allele origin: germline.

GeneDx
Classification: Likely benign. Last evaluated: 2021-05-28. Review status: criteria provided, single submitter. Criteria: GeneDx Variant Classification Process June 2021. Collection method: clinical testing. Allele origin: germline. Affected: yes.
Comment: Nucleotide substitution has no predicted effect on splicing and is not conserved across species; In-silico analysis, which includes splice predictors and evolutionary conservation, is inconclusive as to whether the variant alters gene splicing. In the absence of RNA/functional studies, the actual effect of this sequence change is unknown.; This variant is associated with the following publications: (PMID: 25796131)

Athena Diagnostics
Classification: Benign. Last evaluated: 2021-03-24. Review status: criteria provided, single submitter. Criteria: Athena Diagnostics criteria. Collection method: clinical testing. Allele origin: unknown.

Illumina Laboratory Services, Illumina
Classification: Uncertain significance for Paget disease of bone 3. Last evaluated: 2018-01-12. Review status: criteria provided, single submitter. Criteria: ICSL Variant Classification Criteria 13 December 2019. Collection method: clinical testing. Allele origin: germline.

Clinical Genetics DNA and cytogenetics Diagnostics Lab, Erasmus MC, Erasmus Medical Center
Classification: Likely benign for Paget disease of bone 2, early-onset. Last evaluated: 2015-09-21. Review status: criteria provided, single submitter. Criteria: ACGS Guidelines, 2013. Collection method: clinical testing. Allele origin: germline. Affected: yes. Study: VKGL Data-share Consensus.

PreventionGenetics, part of Exact Sciences
Classification: Likely benign. Review status: criteria provided, single submitter. Criteria: ACMG Guidelines, 2015. Collection method: clinical testing. Allele origin: germline.

Genome Diagnostics Laboratory, Amsterdam University Medical Center
Classification: Likely benign for Paget disease of bone 2, early-onset. Last evaluated: 2017-08-21. Review status: no assertion criteria provided. Criteria: ACGS Guidelines, 2013. Collection method: clinical testing. Allele origin: germline. Affected: yes. Study: VKGL Data-share Consensus. Not counted in ClinVar's aggregate classification.

Genome Diagnostics Laboratory, University Medical Center Utrecht
Classification: Likely benign. Review status: no assertion criteria provided. Collection method: clinical testing. Allele origin: germline. Affected: yes. Study: VKGL Data-share Consensus. Not counted in ClinVar's aggregate classification.

Literature cited by the submitters: PubMed 25796131 (cited by Mayo Clinic Laboratories, Mayo Clinic and Athena Diagnostics); PubMed 22084127 (cited by Athena Diagnostics); PubMed 30679323 (cited by Athena Diagnostics).